The following is an entry in ClinVar:

ClinVar aggregate classification (germline): Pathogenic (1 of 4 stars; one submission).

Conditions:
Duchenne muscular dystrophy (DMD). Also called: MUSCULAR DYSTROPHY, PSEUDOHYPERTROPHIC PROGRESSIVE, DUCHENNE TYPE; Duchenne Muscular Dystrophy (DMD). Identifiers: Orphanet 98896, MedGen C0013264, MONDO:0010679, OMIM 310200.

Submission:

Labcorp Genetics (formerly Invitae), Labcorp
Classification: Pathogenic for Duchenne muscular dystrophy. Last evaluated: 2021-11-04. Review status: criteria provided, single submitter. Criteria: Invitae Variant Classification Sherloc (09022015). Collection method: clinical testing. Allele origin: germline.
Comment: For these reasons, this variant has been classified as Pathogenic. This premature translational stop signal has been observed in individual(s) with Duchenne muscular dystrophy (PMID: 10612827). This variant is not present in population databases (gnomAD no frequency). This sequence change creates a premature translational stop signal (p.Gln673Asnfs*43) in the DMD gene. It is expected to result in an absent or disrupted protein product. Loss-of-function variants in DMD are known to be pathogenic (PMID: 16770791, 25007885).

Literature cited by the submitters: PubMed 10612827; PubMed 16770791; PubMed 25007885.

NM_004006.3(DMD):c.2017_2027del (p.Gln673fs)

Gene: DMD (dystrophin; minus strand). Cytogenetic location: Xp21.1.
Variant type: Deletion.
Coding change: c.2017_2027del on transcript NM_004006.3 (MANE Select); coding-DNA positions 2017 to 2027, 11 bases deleted (CAGCCATCACT).
Protein change: p.Gln673fs; shifts the reading frame from glutamine 673.
Molecular consequence: frameshift variant.
Genome position (GRCh38, 1-based): chrX:32,545,300-32,545,310, AGTGATGGCTG deleted on the plus strand (CAGCCATCACT on the coding strand, the reverse complement: DMD is on the minus strand); deleting any 11 consecutive bases within chrX:32,545,300-32,545,314 gives the same sequence; the c. name uses the placement nearest the transcript's 3' end. VCF-style (leftmost placement, unchanged base first): chrX-32545299-TAGTGATGGCTG-T. GRCh37 (hg19) VCF-style: chrX-32563416-TAGTGATGGCTG-T.
Other names: c.1993_2003del, p.Gln665fs (NM_000109.4); c.2005_2015del, p.Gln669fs (NM_004009.3); c.1648_1658del, p.Gln550fs (NM_004010.3); short protein forms Q673fs, Q550fs, Q665fs, Q669fs.
Identifiers: ClinVar variation 1419291 (VCV001419291.6), dbSNP rs2148960326, ClinGen allele CA2573158691.
Genomic context (GRCh38, chrX:32,545,299, plus strand): 5'-TACCAGGATCTGTTCCCTTGTGGTCACCGTAGTTACTGTTTCCATTACAGTTGTCTGTGT[TAGTGATGGCTG>T]AGTGGTGGTGACAGCCTGTGAAATCTGTGAGAAGTATTGAAACAGAGGTCAGACATTGCT-3'